The following is an entry in ClinVar:

ClinVar aggregate classification (germline): Pathogenic (1 of 4 stars; one submission).

Submission:

Labcorp Genetics (formerly Invitae), Labcorp
Classification: Pathogenic. Last evaluated: 2026-01-25. Review status: criteria provided, single submitter. Criteria: Invitae Variant Classification Sherloc (09022015). Collection method: clinical testing. Allele origin: germline.
Comment: This sequence change creates a premature translational stop signal (p.Asn929*) in the ERCC5 gene. It is expected to result in an absent or disrupted protein product. Loss-of-function variants in ERCC5 are known to be pathogenic (PMID: 23370536, 24700531, 30919937). This variant is present in population databases (rs753490628, gnomAD 0.003%). This variant has not been reported in the literature in individuals affected with ERCC5-related conditions. For these reasons, this variant has been classified as Pathogenic.

Literature cited by the submitters: PubMed 23370536; PubMed 24700531; PubMed 30919937.

NM_000123.4(ERCC5):c.2784dup (p.Asn929Ter)

Genes: BIVM-ERCC5 (BIVM-ERCC5 readthrough; plus strand), ERCC5 (ERCC excision repair 5, endonuclease; plus strand). Cytogenetic location: 13q33.1.
Variant type: Duplication.
Coding change: c.2784dup on transcript NM_000123.4 (MANE Select); coding-DNA position 2784, one base duplicated (T; older notation c.2784dupT).
Protein change: p.Asn929Ter; replaces asparagine 929 with a stop codon.
Molecular consequence: nonsense.
Genome position (GRCh38, 1-based): chr13:102,872,303, T duplicated. VCF-style (leftmost placement, unchanged base first): chr13-102872302-C-CT. GRCh37 (hg19) VCF-style: chr13-103524652-C-CT.
Other names: c.4146dup, p.Asn1383Ter (NM_001204425.2); short protein forms N929*, N1383*.
Identifiers: ClinVar variation 4736126 (VCV004736126.1).